The following is an entry in ClinVar:

NM_017636.4(TRPM4):c.1129G>A (p.Val377Ile)

Gene: TRPM4 (transient receptor potential cation channel subfamily M member 4; plus strand). Cytogenetic location: 19q13.33.
Variant type: single nucleotide variant.
Coding change: c.1129G>A on transcript NM_017636.4 (MANE Select); coding-DNA position 1129, G replaced by A.
Protein change: p.Val377Ile; replaces valine 377 with isoleucine.
Molecular consequence: missense variant. On other transcripts: 5 prime UTR variant (1), intron variant (1).
Genome position (GRCh38, 1-based): chr19:49,172,087, G>A. VCF-style: chr19-49172087-G-A. GRCh37 (hg19) VCF-style: chr19-49675344-G-A.
Other names: c.1129G>A, p.Val377Ile (NM_001195227.2); c.784G>A, p.Val262Ile (NM_001321281.2); c.-425G>A (NM_001321282.2); c.607G>A, p.Val203Ile (NM_001321283.2); c.201+318G>A (NM_001321285.2); short protein forms V203I, V262I, V377I.
Identifiers: ClinVar variation 3345172 (VCV003345172.2).

ClinVar aggregate classification (germline): Uncertain significance. Review status: criteria provided, single submitter (1 of 4 stars). 2 submissions from 2 submitters: Uncertain significance (1). 1 of the submissions does not count toward it. Last evaluated 2026-01-10.

Conditions:
Progressive familial heart block type IB (PFHB1B). Identifiers: Orphanet 871, MedGen C1970298, MONDO:0011474, OMIM 604559.
TRPM4-related disorder. Also called: TRPM4-related condition; TRPM4-related disorders. Identifiers: MedGen CN239424.

Submissions (2):

Labcorp Genetics (formerly Invitae), Labcorp
Classification: Uncertain significance for Progressive familial heart block type IB. Last evaluated: 2026-01-10. Review status: criteria provided, single submitter. Criteria: Invitae Variant Classification Sherloc (09022015). Collection method: clinical testing. Allele origin: germline.
Comment: This sequence change replaces valine, which is neutral and non-polar, with isoleucine, which is neutral and non-polar, at codon 377 of the TRPM4 protein (p.Val377Ile). This variant is not present in population databases (gnomAD no frequency). This variant has not been reported in the literature in individuals affected with TRPM4-related conditions. ClinVar contains an entry for this variant (Variation ID: 3345172). An algorithm developed to predict the effect of missense changes on protein structure and function (PolyPhen-2) suggests that this variant is likely to be tolerated. In summary, the available evidence is currently insufficient to determine the role of this variant in disease. Therefore, it has been classified as a Variant of Uncertain Significance.

PreventionGenetics, part of Exact Sciences
Classification: Uncertain significance for TRPM4-related condition. Last evaluated: 2024-09-08. Review status: no assertion criteria provided. Collection method: clinical testing. Allele origin: germline. Not counted in ClinVar's aggregate classification.
Comment: The TRPM4 c.1129G>A variant is predicted to result in the amino acid substitution p.Val377Ile. To our knowledge, this variant has not been reported in the literature or in a large population database, indicating this variant is rare. At this time, the clinical significance of this variant is uncertain due to the absence of conclusive functional and genetic evidence.